The following is an entry in ClinVar:

ClinVar aggregate classification (germline): Benign/Likely benign. Review status: criteria provided, multiple submitters, no conflicts (2 of 4 stars). 4 submissions from 4 submitters: Benign (1); Likely benign (3). Last evaluated 2026-04-24.

Conditions:
Colorectal cancer, susceptibility to, 1. Also called: COLORECTAL ADENOMA AND CANCER, SUSCEPTIBILITY TO; COLORECTAL CANCER, SUSCEPTIBILITY TO, ON CHROMOSOME 9. Identifiers: MedGen C1837315, MONDO:0012132, OMIM 608812.

gnomAD v4.1: 58 of 1,614,010 alleles (0.0036%); highest among the groups gnomAD compares: East Asian, 0.0045%; no homozygotes.

Submissions (4):

Myriad Genetics, Inc.
Classification: Benign for Colorectal cancer, susceptibility to, 1. Last evaluated: 2026-04-24. Review status: criteria provided, single submitter. Criteria: Myriad Autosomal Dominant, Autosomal Recessive and X-Linked Classification Criteria (2023). Collection method: clinical testing. Allele origin: unknown.
Comment: This variant is considered benign. This variant is a silent/synonymous amino acid change and it is not expected to impact splicing.

Labcorp Genetics (formerly Invitae), Labcorp
Classification: Likely benign. Last evaluated: 2025-11-22. Review status: criteria provided, single submitter. Criteria: Invitae Variant Classification Sherloc (09022015). Collection method: clinical testing. Allele origin: germline.

Department of Pathology and Laboratory Medicine, Sinai Health System
Classification: Likely benign for Colorectal cancer, susceptibility to, 1. Last evaluated: 2023-05-25. Review status: criteria provided, single submitter. Criteria: ACMG Guidelines, 2015. Collection method: clinical testing. Allele origin: germline. Affected: yes.

Ambry Genetics
Classification: Likely benign. Last evaluated: 2018-05-10. Review status: criteria provided, single submitter. Criteria: Ambry Variant Classification Scheme 2023. Collection method: clinical testing. Allele origin: germline.

NM_024642.5(GALNT12):c.828C>T (p.Ile276=)

Gene: GALNT12 (polypeptide N-acetylgalactosaminyltransferase 12; plus strand). Cytogenetic location: 9q22.33.
Variant type: single nucleotide variant.
Coding change: c.828C>T on transcript NM_024642.5 (MANE Select); coding-DNA position 828, C replaced by T.
Protein change: p.Ile276=; no amino-acid change (isoleucine 276 retained).
Molecular consequence: synonymous variant.
Genome position (GRCh38, 1-based): chr9:98,831,868, C>T. VCF-style: chr9-98831868-C-T. GRCh37 (hg19) VCF-style: chr9-101594150-C-T.
Identifiers: ClinVar variation 827558 (VCV000827558.15), dbSNP rs768925908, ClinGen allele CA5154065.